The following is an entry in ClinVar:

NM_004239.4(TRIP11):c.3821A>T (p.Tyr1274Phe)

Gene: TRIP11 (thyroid hormone receptor interactor 11; minus strand). Cytogenetic location: 14q32.12.
Variant type: single nucleotide variant.
Coding change: c.3821A>T on transcript NM_004239.4 (MANE Select); coding-DNA position 3821, A replaced by T.
Protein change: p.Tyr1274Phe; replaces tyrosine 1274 with phenylalanine.
Molecular consequence: missense variant.
Genome position (GRCh38, 1-based): chr14:92,004,155, T>A on the plus strand (A>T on the coding strand, the complement: TRIP11 is on the minus strand). VCF-style: chr14-92004155-T-A. GRCh37 (hg19) VCF-style: chr14-92470499-T-A.
Other names: c.3818A>T, p.Tyr1273Phe (NM_001321851.1); short protein forms Y1274F, Y1273F.
Identifiers: ClinVar variation 1518589 (VCV001518589.6), dbSNP rs2056866244, ClinGen allele CA390651350.

ClinVar aggregate classification (germline): Uncertain significance (1 of 4 stars; one submission).

Conditions:
Achondrogenesis, type IA (ACG1A). Identifiers: Orphanet 932, Orphanet 93299, MedGen C0265273, MONDO:0008701, OMIM 200600.

Allele frequency attached by ClinVar (database versions not stated): TOPMed 0.00001.
gnomAD v4.1: 3 of 1,614,224 alleles (0.00019%); highest among the groups gnomAD compares: Admixed American, 0.0033%; no homozygotes.

Submission:

Labcorp Genetics (formerly Invitae), Labcorp
Classification: Uncertain significance for Achondrogenesis, type IA. Last evaluated: 2020-12-08. Review status: criteria provided, single submitter. Criteria: Invitae Variant Classification Sherloc (09022015). Collection method: clinical testing. Allele origin: germline.
Comment: In summary, the available evidence is currently insufficient to determine the role of this variant in disease. Therefore, it has been classified as a Variant of Uncertain Significance. Algorithms developed to predict the effect of missense changes on protein structure and function are either unavailable or do not agree on the potential impact of this missense change (SIFT: "Not Available"; PolyPhen-2: "Probably Damaging"; Align-GVGD: "Not Available"). This variant has not been reported in the literature in individuals with TRIP11-related conditions. This variant is not present in population databases (ExAC no frequency). This sequence change replaces tyrosine with phenylalanine at codon 1274 of the TRIP11 protein (p.Tyr1274Phe). The tyrosine residue is moderately conserved and there is a small physicochemical difference between tyrosine and phenylalanine.